The following continues an entry in ClinVar:

NM_000540.3(RYR1):c.7304G>A (p.Arg2435His)

Gene: RYR1. ClinVar aggregate classification (germline): Pathogenic; drug response. Pathogenic (1).

Submissions 12 to 19 of 19:

Labcorp Genetics (formerly Invitae), Labcorp
Classification: Pathogenic for RYR1-related disorder. Last evaluated: 2024-11-27. Review status: criteria provided, single submitter. Criteria: Invitae Variant Classification Sherloc (09022015). Collection method: clinical testing. Allele origin: germline. Not counted in ClinVar's aggregate classification.
Comment: This sequence change replaces arginine, which is basic and polar, with histidine, which is basic and polar, at codon 2435 of the RYR1 protein (p.Arg2435His). This variant is not present in population databases (gnomAD no frequency). This missense change has been observed in individuals with autosomal dominant malignant hyperthermia and/or central core disease (PMID: 8220422, 19658156, 21965348, 23842196). It has also been observed to segregate with disease in related individuals. ClinVar contains an entry for this variant (Variation ID: 12966). Invitae Evidence Modeling of protein sequence and biophysical properties (such as structural, functional, and spatial information, amino acid conservation, physicochemical variation, residue mobility, and thermodynamic stability) indicates that this missense variant is expected to disrupt RYR1 protein function with a positive predictive value of 80%. Experimental studies have shown that this missense change affects RYR1 function (PMID: 9334205, 9873004, 11524458, 27586648). For these reasons, this variant has been classified as Pathogenic.

GeneDx
Classification: Pathogenic. Last evaluated: 2024-02-28. Review status: criteria provided, single submitter. Criteria: GeneDx Variant Classification Process June 2021. Collection method: clinical testing. Allele origin: germline. Affected: yes. Not counted in ClinVar's aggregate classification.
Comment: Published functional studies demonstrate a damaging effect: increased sensitivity to calcium- and halothane-induced intracellular calcium release when compared to the wild type channel (PMID: 11524458); Not observed at significant frequency in large population cohorts (gnomAD); This variant is associated with the following publications: (PMID: 21157159, 16835904, 9873004, 25256590, 21965348, 9334205, 8220422, 27586648, 28687594, 23842196, 12668474, 33767344, 19648156, 19513315, 30236257, 12124989, 17710899, 9497245, 35428369, 11524458, 32919876)

Greenwood Genetic Center Diagnostic Laboratories, Greenwood Genetic Center
Classification: Pathogenic for Central core myopathy. Last evaluated: 2021-12-09. Review status: criteria provided, single submitter. Criteria: ACMG Guidelines, 2015. Collection method: clinical testing. Allele origin: germline. Affected: yes. Not counted in ClinVar's aggregate classification.
Comment: PS3, PS4, PP3, PM2, PM5

Laboratory for Molecular Medicine, Mass General Brigham Personalized Medicine
Classification: Pathogenic for Malignant hyperthermia of anesthesia. Last evaluated: 2020-04-16. Review status: criteria provided, single submitter. Criteria: ACMG Guidelines, 2015. Collection method: clinical testing. Allele origin: germline. Inheritance: Autosomal dominant inheritance. Not counted in ClinVar's aggregate classification.
Comment: The p.Arg2435His variant in RYR1 has been reported in >15 individuals with malignant hyperthermia and segregated with disease in multiple affected individuals from several families (Riazi 2014, Broman 2011, Carpenter 2009, Zhang 1993, Robinson 2002). This variant was absent from large population studies but has been reported in ClinVar (Variation ID 12966). Computational prediction tools and conservation analyses suggest that this variant may impact the protein, though this information is not predictive enough to determine pathogenicity. In vitro functional studies support an impact on protein function (Tong 1997, Carpenter 2009, Murayama 2016, Robinson 2002). In summary, this variant meets criteria to be classified as pathogenic for autosomal dominant malignant hyperthermia. ACMG/AMP Criteria applied: PS4, PM2, PS3_Moderate, PP1, PP3

Revvity Omics, Revvity
Classification: Pathogenic. Last evaluated: 2019-02-27. Review status: criteria provided, single submitter. Criteria: ACMG Guidelines, 2015. Collection method: clinical testing. Allele origin: germline. Not counted in ClinVar's aggregate classification.

PreventionGenetics, part of Exact Sciences
Classification: Pathogenic. Last evaluated: 2017-10-20. Review status: criteria provided, single submitter. Criteria: ACMG Guidelines, 2015. Collection method: clinical testing. Allele origin: germline. Not counted in ClinVar's aggregate classification.

OMIM
Classification: risk factor for CONGENITAL MYOPATHY 1A, AUTOSOMAL DOMINANT, WITH SUSCEPTIBILITY TO MALIGNANT HYPERTHERMIA. Last evaluated: 1997-02-21. Review status: no assertion criteria provided. Collection method: literature only. Allele origin: germline. Not counted in ClinVar's aggregate classification.

RYR1 database
No classification provided. Review status: no classification provided. Collection method: not provided. Allele origin: unknown. Not counted in ClinVar's aggregate classification.

Literature cited by the submitters: PubMed 12059893 (cited by ClinPGx and Dasa); PubMed 12124989 (cited by ClinPGx and Laboratory for Molecular Medicine, Mass General Brigham Personalized Medicine); PubMed 15108991 (cited by ClinPGx); PubMed 16163667 (cited by 3 submitters); PubMed 16732084 (cited by ClinPGx); PubMed 16835904 (cited by ClinPGx); PubMed 16917943 (cited by ClinPGx); PubMed 17081152 (cited by ClinPGx and Dasa); PubMed 17710899 (cited by ClinPGx and Dasa); PubMed 19513315 (cited by ClinPGx); PubMed 19648156 (cited by 3 submitters); PubMed 20681998 (cited by ClinPGx and Dasa); PubMed 21965348 (cited by 4 submitters); PubMed 25256590 (cited by ClinPGx); PubMed 25989378 (cited by ClinPGx); PubMed 8220422 (cited by 4 submitters); PubMed 21118704 (cited by Dasa); PubMed 32919876 (cited by Dasa); PubMed 27586648 (cited by 4 submitters); PubMed 23842196 (cited by 3 submitters); PubMed 30236257 (cited by Dasa); PubMed 28687594 (cited by Variantyx, Inc.); PubMed 9334205 (cited by 3 submitters); PubMed 19658156 (cited by Labcorp Genetics (formerly Invitae), Labcorp); PubMed 9873004 (cited by Labcorp Genetics (formerly Invitae), Labcorp); PubMed 11524458 (cited by Labcorp Genetics (formerly Invitae), Labcorp); PubMed 3626847 (cited by OMIM); PubMed 9030597 (cited by OMIM); PubMed 8661021 (cited by OMIM).